The following is an entry in ClinVar:

ClinVar aggregate classification (germline): Uncertain significance (1 of 4 stars; one submission).

Conditions:
GREB1L-related disorder. Also called: GREB1L-related condition.

gnomAD v4.1: 25 of 1,551,474 alleles (0.0016%); highest among the groups gnomAD compares: Admixed American, 0.0039%; no homozygotes.

Submission:

PreventionGenetics, part of Exact Sciences
Classification: Uncertain significance for GREB1L-related condition. Last evaluated: 2026-06-16. Review status: criteria provided, single submitter. Criteria: ACMG Guidelines, 2015. Collection method: clinical testing. Allele origin: germline.
Comment: The GREB1L c.3352C>T variant is predicted to result in the amino acid substitution p.Arg1118Trp. To our knowledge, this variant has not been reported in the literature. This variant is reported in 0.0041% of alleles in individuals of Latino descent in gnomAD. At this time, the clinical significance of this variant is uncertain due to the absence of conclusive functional and genetic evidence.

NM_001142966.3(GREB1L):c.3352C>T (p.Arg1118Trp)

Gene: GREB1L (GREB1 like retinoic acid receptor coactivator; plus strand). Cytogenetic location: 18q11.1.
Variant type: single nucleotide variant.
Coding change: c.3352C>T on transcript NM_001142966.3 (MANE Select); coding-DNA position 3352, C replaced by T.
Protein change: p.Arg1118Trp; replaces arginine 1118 with tryptophan.
Molecular consequence: missense variant.
Genome position (GRCh38, 1-based): chr18:21,496,659, C>T. VCF-style: chr18-21496659-C-T. GRCh37 (hg19) VCF-style: chr18-19076620-C-T.
Other names: c.3481C>T, p.Arg1161Trp (NM_001410867.1); c.3025C>T, p.Arg1009Trp (NM_001410868.1); short protein forms R1009W, R1118W, R1161W.
Identifiers: ClinVar variation 4984755 (VCV004984755.1).
Genomic context (GRCh38, chr18:21,496,659, plus strand): 5'-GAGCAGGAGAGAGCTGCTGTCAGTGAGAATGACTCCGATGAGCTGCTCATCGACCTGGAG[C>T]GGCCCCAGAGCAACAGCAGCGCTGTCACAGGGACCTCGGGTCAGTACTTTCTTTTCTCTT-3'
Protein context (NP_001136438.1, residues 1108-1128): DSDELLIDLE[Arg1118Trp]PQSNSSAVTG